The following is an entry in ClinVar:

NM_000350.3(ABCA4):c.415C>T (p.Leu139Phe)

Gene: ABCA4 (ATP binding cassette subfamily A member 4; minus strand). Cytogenetic location: 1p22.1.
Variant type: single nucleotide variant.
Coding change: c.415C>T on transcript NM_000350.3 (MANE Select); coding-DNA position 415, C replaced by T.
Protein change: p.Leu139Phe; replaces leucine 139 with phenylalanine.
Molecular consequence: missense variant.
Genome position (GRCh38, 1-based): chr1:94,108,604, G>A on the plus strand (C>T on the coding strand, the complement: ABCA4 is on the minus strand). VCF-style: chr1-94108604-G-A. GRCh37 (hg19) VCF-style: chr1-94574160-G-A.
Other names: c.415C>T, p.Leu139Phe (NM_001425324.1); short protein forms L139F.
Identifiers: ClinVar variation 1460610 (VCV001460610.6), dbSNP rs983831765, ClinGen allele CA26895828.

ClinVar aggregate classification (germline): Uncertain significance (1 of 4 stars; one submission).

Submission:

Labcorp Genetics (formerly Invitae), Labcorp
Classification: Uncertain significance. Last evaluated: 2025-07-28. Review status: criteria provided, single submitter. Criteria: Invitae Variant Classification Sherloc (09022015). Collection method: clinical testing. Allele origin: germline.
Comment: This sequence change replaces leucine, which is neutral and non-polar, with phenylalanine, which is neutral and non-polar, at codon 139 of the ABCA4 protein (p.Leu139Phe). This variant is not present in population databases (gnomAD no frequency). This variant has not been reported in the literature in individuals affected with ABCA4-related conditions. ClinVar contains an entry for this variant (Variation ID: 1460610). Invitae Evidence Modeling of protein sequence and biophysical properties (such as structural, functional, and spatial information, amino acid conservation, physicochemical variation, residue mobility, and thermodynamic stability) has been performed for this missense variant. However, the output from this modeling did not meet the statistical confidence thresholds required to predict the impact of this variant on ABCA4 protein function. In summary, the available evidence is currently insufficient to determine the role of this variant in disease. Therefore, it has been classified as a Variant of Uncertain Significance.